The following is an entry in ClinVar:

ClinVar aggregate classification (germline): Pathogenic. Review status: criteria provided, multiple submitters, no conflicts (2 of 4 stars). 2 submissions from 2 submitters: Pathogenic (2). Last evaluated 2025-02-14.

Conditions:
Hereditary factor VIII deficiency disease (HEMA). Also called: Hemophilia A, congenital; HEM A; Factor 8 deficiency, congenital; HEMOPHILIA, CLASSIC; AUTOSOMAL HEMOPHILIA A; Hemophilia A. Identifiers: Orphanet 98878, MedGen C0019069, MONDO:0010602, OMIM 306700.

Submissions (2):

Myriad Genetics, Inc.
Classification: Pathogenic for Hereditary factor VIII deficiency disease. Last evaluated: 2025-02-14. Review status: criteria provided, single submitter. Criteria: Myriad Autosomal Dominant, Autosomal Recessive and X-Linked Classification Criteria (2023). Collection method: clinical testing. Allele origin: unknown.
Comment: NM_000132.3(F8):c.3300dupA(E1101Rfs*17) is a frameshift variant classified as pathogenic in the context of hemophilia A. E1101Rfs*17 has been observed in a case with relevant disease (PMID: 39125936). Relevant functional assessments of this variant are not available in the literature. E1101Rfs*17 has not been observed in referenced population frequency databases. In summary, NM_000132.3(F8):c.3300dupA(E1101Rfs*17) is a frameshift variant in a gene where loss of function is a known mechanism of disease, is predicted to disrupt protein function, and has been observed more frequently in cases with the relevant disease than in healthy populations. Please note: this variant was assessed in the context of healthy population screening.

3billion
Classification: Pathogenic for Hereditary factor VIII deficiency disease. Last evaluated: 2023-02-23. Review status: criteria provided, single submitter. Criteria: ACMG Guidelines, 2015. Collection method: clinical testing. Allele origin: unknown. Affected: yes.
Comment: The variant is not observed in the gnomAD v2.1.1 dataset. This variant was predicted to result in a loss or disruption of normal protein function through nonsense-mediated decay (NMD) or protein truncation. Multiple pathogenic variants are reported downstream of the variant. The variant has been reported to be associated with F8 related disorder (PMID: 7794769). Therefore, this variant is classified as Pathogenic according to the recommendation of ACMG/AMP guideline.

Literature cited by the submitters: PubMed 39125936 (cited by Myriad Genetics, Inc.); PubMed 7794769 (cited by 3billion).

NM_000132.4(F8):c.3300dup (p.Glu1101fs)

Gene: F8 (coagulation factor VIII; minus strand). Cytogenetic location: Xq28.
Variant type: Duplication.
Coding change: c.3300dup on transcript NM_000132.4 (MANE Select); coding-DNA position 3300, one base duplicated (A; older notation c.3300dupA).
Protein change: p.Glu1101fs; shifts the reading frame from glutamic acid 1101.
Molecular consequence: frameshift variant.
Genome position (GRCh38, 1-based): chrX:154,930,490, T duplicated on the plus strand (A on the coding strand, the reverse complement: F8 is on the minus strand); the first of 6 consecutive T bases (chrX:154,930,490-154,930,495); duplicating any one gives the same sequence. VCF-style (leftmost placement, unchanged base first): chrX-154930489-C-CT. GRCh37 (hg19) VCF-style: chrX-154158764-C-CT.
Other names: short protein forms E1101fs.
Identifiers: ClinVar variation 2444299 (VCV002444299.2), dbSNP rs1302660801, ClinGen allele CA873342896.